The following is an entry in ClinVar:

ClinVar aggregate classification (germline): Uncertain significance (1 of 4 stars; one submission).

gnomAD v4.1: 1 of 1,614,038 alleles (0.000062%); no homozygotes.

Submission:

Labcorp Genetics (formerly Invitae), Labcorp
Classification: Uncertain significance. Last evaluated: 2025-09-03. Review status: criteria provided, single submitter. Criteria: Invitae Variant Classification Sherloc (09022015). Collection method: clinical testing. Allele origin: germline.
Comment: This sequence change replaces proline, which is neutral and non-polar, with histidine, which is basic and polar, at codon 288 of the KL protein (p.Pro288His). This variant is not present in population databases (gnomAD no frequency). This variant has not been reported in the literature in individuals affected with KL-related conditions. Invitae Evidence Modeling of protein sequence and biophysical properties (such as structural, functional, and spatial information, amino acid conservation, physicochemical variation, residue mobility, and thermodynamic stability) indicates that this missense variant is not expected to disrupt KL protein function with a negative predictive value of 80%. In summary, the available evidence is currently insufficient to determine the role of this variant in disease. Therefore, it has been classified as a Variant of Uncertain Significance.

NM_004795.4(KL):c.863C>A (p.Pro288His)

Gene: KL (klotho; plus strand). Cytogenetic location: 13q13.1.
Variant type: single nucleotide variant.
Coding change: c.863C>A on transcript NM_004795.4 (MANE Select); coding-DNA position 863, C replaced by A.
Protein change: p.Pro288His; replaces proline 288 with histidine.
Molecular consequence: missense variant.
Genome position (GRCh38, 1-based): chr13:33,053,810, C>A. VCF-style: chr13-33053810-C-A. GRCh37 (hg19) VCF-style: chr13-33627947-C-A.
Other names: short protein forms P288H.
Identifiers: ClinVar variation 4692606 (VCV004692606.1).